The following is an entry in ClinVar:

NM_002661.5(PLCG2):c.572G>T (p.Gly191Val)

Gene: PLCG2 (phospholipase C gamma 2; plus strand). Cytogenetic location: 16q23.3.
Variant type: single nucleotide variant.
Coding change: c.572G>T on transcript NM_002661.5 (MANE Select); coding-DNA position 572, G replaced by T.
Protein change: p.Gly191Val; replaces glycine 191 with valine.
Molecular consequence: missense variant.
Genome position (GRCh38, 1-based): chr16:81,870,859, G>T. VCF-style: chr16-81870859-G-T. GRCh37 (hg19) VCF-style: chr16-81904464-G-T.
Other names: c.572G>T, p.Gly191Val (NM_001425749.1, NM_001425750.1, NM_001425751.1); short protein forms G191V.
Identifiers: ClinVar variation 4712546 (VCV004712546.1).

ClinVar aggregate classification (germline): Uncertain significance (1 of 4 stars; one submission).

Conditions:
Familial cold autoinflammatory syndrome 3 (FCAS3). Also called: FAMILIAL ATYPICAL COLD URTICARIA; ANTIBODY DEFICIENCY AND IMMUNE DYSREGULATION, PLCG2-ASSOCIATED. Identifiers: Orphanet 300359, MedGen C3280914, MONDO:0013766, OMIM 614468.

gnomAD v4.1: 4 of 1,587,556 alleles (0.00025%); highest among the groups gnomAD compares: Non-Finnish European, 0.00034%; no homozygotes.

Submission:

Labcorp Genetics (formerly Invitae), Labcorp
Classification: Uncertain significance for Familial cold autoinflammatory syndrome 3. Last evaluated: 2025-02-07. Review status: criteria provided, single submitter. Criteria: Invitae Variant Classification Sherloc (09022015). Collection method: clinical testing. Allele origin: germline.
Comment: This sequence change replaces glycine, which is neutral and non-polar, with valine, which is neutral and non-polar, at codon 191 of the PLCG2 protein (p.Gly191Val). This variant is not present in population databases (gnomAD no frequency). This variant has not been reported in the literature in individuals affected with PLCG2-related conditions. An algorithm developed to predict the effect of missense changes on protein structure and function (PolyPhen-2) suggests that this variant is likely to be disruptive. In summary, the available evidence is currently insufficient to determine the role of this variant in disease. Therefore, it has been classified as a Variant of Uncertain Significance.